The following is an entry in ClinVar:

ClinVar aggregate classification (germline): Uncertain significance (1 of 4 stars; one submission).

Submission:

GeneDx
Classification: Uncertain significance. Last evaluated: 2022-11-03. Review status: criteria provided, single submitter. Criteria: GeneDx Variant Classification Process June 2021. Collection method: clinical testing. Allele origin: germline. Affected: yes.
Comment: In silico analysis supports that this missense variant does not alter protein structure/function; Not observed at significant frequency in large population cohorts (gnomAD); Has not been previously published as pathogenic or benign to our knowledge

NM_020719.3(PRR12):c.505A>G (p.Ser169Gly)

Gene: PRR12 (proline rich 12; plus strand). Cytogenetic location: 19q13.33.
Variant type: single nucleotide variant.
Coding change: c.505A>G on transcript NM_020719.3 (MANE Select); coding-DNA position 505, A replaced by G.
Protein change: p.Ser169Gly; replaces serine 169 with glycine.
Molecular consequence: missense variant.
Genome position (GRCh38, 1-based): chr19:49,594,840, A>G. VCF-style: chr19-49594840-A-G. GRCh37 (hg19) VCF-style: chr19-50098097-A-G.
Other names: short protein forms S169G.
Identifiers: ClinVar variation 2501603 (VCV002501603.1), dbSNP rs2514269621, ClinGen allele CA406855061.